The following is an entry in ClinVar:

NM_000535.7(PMS2):c.2449_2452del (p.Met817fs)

Gene: PMS2 (PMS1 homolog 2, mismatch repair system component; minus strand). Cytogenetic location: 7p22.1.
Variant type: Deletion.
Coding change: c.2449_2452del on transcript NM_000535.7 (MANE Select); coding-DNA positions 2449 to 2452, 4 bases deleted (ATGA; older notation c.2449_2452delATGA).
Protein change: p.Met817fs; shifts the reading frame from methionine 817.
Molecular consequence: frameshift variant. On other transcripts: non-coding transcript variant (1).
Genome position (GRCh38, 1-based): chr7:5,973,536-5,973,539, TCAT deleted on the plus strand (ATGA on the coding strand, the reverse complement: PMS2 is on the minus strand). VCF-style (leftmost placement, unchanged base first): chr7-5973535-ATCAT-A. GRCh37 (hg19) VCF-style: chr7-6013166-ATCAT-A.
Other names: c.2044_2047delATGA, p.Met682Leufs (NM_001018040.1, NM_001406889.1, NM_001406890.1 and 9 more transcripts); c.2044_2047del, p.Met682fs (NM_001322003.2, NM_001322004.2, NM_001322005.2); c.2293_2296del, p.Met765fs (NM_001322006.2); c.2131_2134del, p.Met711fs (NM_001322007.2, NM_001322008.2); c.2077_2080del, p.Met693fs (NM_001322009.2); c.1888_1891del, p.Met630fs (NM_001322010.2); c.1516_1519del, p.Met506fs (NM_001322011.2, NM_001322012.2); c.1876_1879del, p.Met626fs (NM_001322013.2); and 26 more; short protein forms M506fs, M682fs, M711fs, M817fs, M630fs, M765fs, M828fs, M626fs.
Identifiers: ClinVar variation 1791432 (VCV001791432.2), dbSNP rs2535203418, ClinGen allele CA2580076775.
Genomic context (GRCh38, chr7:5,973,535, plus strand): 5'-TCCATCTCCCCCATGTGGGTGATCAGTTTCTTCATCTCGCTTGTGTTAAGAGCAGTCCCA[ATCAT>A]CACCTGAGTGTGAGACACAATGGTTCAACGTTTTAGTAGTTTTTTGACGTCAGAATGGCA-3'

ClinVar aggregate classification (germline): Pathogenic (1 of 4 stars; one submission).

Conditions:
Hereditary cancer-predisposing syndrome. Also called: Hereditary Cancer Syndrome; Hereditary neoplastic syndrome; Tumor predisposition; Neoplastic Syndromes, Hereditary. Identifiers: Orphanet 140162, MedGen C0027672, MeSH D009386, MONDO:0015356.

Submission:

Ambry Genetics
Classification: Pathogenic for Hereditary cancer-predisposing syndrome. Last evaluated: 2018-10-30. Review status: criteria provided, single submitter. Criteria: Ambry Variant Classification Scheme 2023. Collection method: clinical testing. Allele origin: germline.
Comment: The c.2449_2452delATGA pathogenic mutation, located in coding exon 15 of the PMS2 gene, results from a deletion of 4 nucleotides at nucleotide positions 2449 to 2452, causing a translational frameshift with a predicted alternate stop codon (p.M817Lfs*10). This alteration is expected to result in loss of function by premature protein truncation. As such, this alteration is interpreted as a disease-causing mutation.